The following is an entry in ClinVar:

ClinVar aggregate classification (germline): Likely benign (0 of 4 stars; one submission).

Conditions:
EHBP1-related disorder. Also called: EHBP1-related condition.

Allele frequency attached by ClinVar (database versions not stated): ESP Exome Variant Server 0.00185; gnomAD 0.00191; TOPMed 0.00205; ExAC 0.00213; 1000 Genomes Project 30x 0.00219; 1000 Genomes Project 0.00220; gnomAD exomes 0.00274.
gnomAD v4.1: 4,284 of 1,613,674 alleles (0.27%); highest among the groups gnomAD compares: Middle Eastern, 0.86%; 11 homozygotes.

Submission:

PreventionGenetics, part of Exact Sciences
Classification: Likely benign for EHBP1-related condition. Last evaluated: 2020-10-12. Review status: no assertion criteria provided. Collection method: clinical testing. Allele origin: germline.
Comment: This variant is classified as likely benign based on ACMG/AMP sequence variant interpretation guidelines (Richards et al. 2015 PMID: 25741868, with internal and published modifications).

NM_001142616.3(EHBP1):c.2198A>G (p.Tyr733Cys)

Gene: EHBP1 (EH domain binding protein 1; plus strand). Cytogenetic location: 2p15.
Variant type: single nucleotide variant.
Coding change: c.2198A>G on transcript NM_001142616.3 (MANE Select); coding-DNA position 2198, A replaced by G.
Protein change: p.Tyr733Cys; replaces tyrosine 733 with cysteine.
Molecular consequence: missense variant. On other transcripts: intron variant (2).
Genome position (GRCh38, 1-based): chr2:62,949,044, A>G. VCF-style: chr2-62949044-A-G. GRCh37 (hg19) VCF-style: chr2-63176179-A-G.
Other names: c.2198A>G, p.Tyr733Cys (NM_001142614.2, NM_001142615.3, NM_001354218.1 and 2 more transcripts); c.2303A>G, p.Tyr768Cys (NM_001354212.1, NM_001354213.1, NM_001354214.1 and 4 more transcripts); c.1575+728A>G (NM_001354221.2); c.1470+728A>G (NM_001354222.2); short protein forms Y733C, Y768C.
Identifiers: ClinVar variation 3034212 (VCV003034212.2), dbSNP rs140508263, ClinGen allele CA1681298.